The following is an entry in ClinVar:

NM_001148.6(ANK2):c.2810C>T (p.Ala937Val)

Gene: ANK2 (ankyrin 2; plus strand). Cytogenetic location: 4q26.
Variant type: single nucleotide variant.
Coding change: c.2810C>T on transcript NM_001148.6 (MANE Select); coding-DNA position 2810, C replaced by T.
Protein change: p.Ala937Val; replaces alanine 937 with valine.
Molecular consequence: missense variant.
Genome position (GRCh38, 1-based): chr4:113,318,530, C>T. VCF-style: chr4-113318530-C-T. GRCh37 (hg19) VCF-style: chr4-114239686-C-T.
Other names: c.2747C>T, p.Ala916Val (NM_001127493.3, NM_001354243.2, NM_001354255.2 and 3 more transcripts); c.2822C>T, p.Ala941Val (NM_001354225.2); c.2810C>T, p.Ala937Val (NM_001354228.2, NM_001354232.2, NM_001354258.2 and 1 more transcripts); c.2852C>T, p.Ala951Val (NM_001354230.2, NM_001354231.2, NM_001354237.2 and 1 more transcripts); c.2807C>T, p.Ala936Val (NM_001354235.2, NM_001354236.2, NM_001354246.2 and 1 more transcripts); c.2744C>T, p.Ala915Val (NM_001354239.2, NM_001354244.2, NM_001354252.2 and 3 more transcripts); c.2855C>T, p.Ala952Val (NM_001354240.2, NM_001354241.2, NM_001386144.1); c.2711C>T, p.Ala904Val (NM_001354245.2, NM_001354268.2); and 17 more; short protein forms A842V, A908V, A915V, A923V, A936V, A941V, A972V, A146V.
Identifiers: ClinVar variation 1369723 (VCV001369723.6), dbSNP rs2153837134, ClinGen allele CA357931308.
Genomic context (GRCh38, chr4:113,318,530, plus strand): 5'-AATTGAAGCAAAGTGTGTTTATTCAATCCAGTGTTCTTTGTGTTTAGGTGTCAACTCTAG[C>T]CAAGGAGGCAGAAAGGAATTCTTATCGCCTAAGCTGGGGCACTGAGAACTTAGACAACGT-3'
Protein context (NP_001139.3, residues 927-947): VIPSHQVSTL[Ala937Val]KEAERNSYRL

ClinVar aggregate classification (germline): Uncertain significance (1 of 4 stars; one submission).

Conditions:
Long QT syndrome (LQTS). Identifiers: MedGen C0023976, MeSH D008133, MONDO:0002442. Disease mechanism: loss of function. Inheritance: Various modes of inheritance.

gnomAD v4.1: 1 of 1,613,540 alleles (0.000062%); highest among the groups gnomAD compares: Admixed American, 0.0017%; no homozygotes.

Submission:

Labcorp Genetics (formerly Invitae), Labcorp
Classification: Uncertain significance for Long QT syndrome. Last evaluated: 2021-10-03. Review status: criteria provided, single submitter. Criteria: Invitae Variant Classification Sherloc (09022015). Collection method: clinical testing. Allele origin: germline.
Comment: This variant has not been reported in the literature in individuals affected with ANK2-related conditions. This variant is not present in population databases (ExAC no frequency). This sequence change replaces alanine with valine at codon 937 of the ANK2 protein (p.Ala937Val). The alanine residue is moderately conserved and there is a small physicochemical difference between alanine and valine. Algorithms developed to predict the effect of missense changes on protein structure and function are either unavailable or do not agree on the potential impact of this missense change (SIFT: "Deleterious"; PolyPhen-2: "Possibly Damaging"; Align-GVGD: "Class C0"). In summary, the available evidence is currently insufficient to determine the role of this variant in disease. Therefore, it has been classified as a Variant of Uncertain Significance.